The following is an entry in ClinVar:

ClinVar aggregate classification (germline): Likely benign (1 of 4 stars; one submission).

Allele frequency attached by ClinVar (database versions not stated): gnomAD exomes 0.00019; ExAC 0.00040; 1000 Genomes Project 30x 0.00047; 1000 Genomes Project 0.00060.
gnomAD v4.1: 297 of 1,614,168 alleles (0.018%); highest among the groups gnomAD compares: South Asian, 0.32%; 1 homozygote.

Submission:

CeGaT Center for Human Genetics Tuebingen
Classification: Likely benign. Last evaluated: 2023-06-01. Review status: criteria provided, single submitter. Criteria: CeGaT Center For Human Genetics Tuebingen Variant Classification Criteria Version 2. Collection method: clinical testing. Allele origin: germline. Affected: yes. Observed: 1 variant allele.
Comment: UBAP1: BS2

NM_016525.5(UBAP1):c.1453A>G (p.Asn485Asp)

Gene: UBAP1 (ubiquitin associated protein 1; plus strand). Cytogenetic location: 9p13.3.
Variant type: single nucleotide variant.
Coding change: c.1453A>G on transcript NM_016525.5 (MANE Select); coding-DNA position 1453, A replaced by G.
Protein change: p.Asn485Asp; replaces asparagine 485 with aspartic acid.
Molecular consequence: missense variant. On other transcripts: non-coding transcript variant (1).
Genome position (GRCh38, 1-based): chr9:34,251,476, A>G. VCF-style: chr9-34251476-A-G. GRCh37 (hg19) VCF-style: chr9-34251474-A-G.
Other names: c.1645A>G, p.Asn549Asp (NM_001171201.1); c.1561A>G, p.Asn521Asp (NM_001171202.1); c.1453A>G, p.Asn485Asp (NM_001171203.3, NM_001171204.3); short protein forms N485D, N521D, N549D.
Identifiers: ClinVar variation 2659153 (VCV002659153.24), dbSNP rs556099212, ClinGen allele CA5031585.